The following is an entry in ClinVar:

NM_004415.4(DSP):c.2074C>G (p.Pro692Ala)

Gene: DSP (desmoplakin; plus strand). Cytogenetic location: 6p24.3.
Variant type: single nucleotide variant.
Coding change: c.2074C>G on transcript NM_004415.4 (MANE Select); coding-DNA position 2074, C replaced by G.
Protein change: p.Pro692Ala; replaces proline 692 with alanine.
Molecular consequence: missense variant.
Genome position (GRCh38, 1-based): chr6:7,572,012, C>G. VCF-style: chr6-7572012-C-G. GRCh37 (hg19) VCF-style: chr6-7572245-C-G.
Other names: c.2074C>G, p.Pro692Ala (NM_001008844.3, NM_001319034.2); short protein forms P692A.
Identifiers: ClinVar variation 1785440 (VCV001785440.12), dbSNP rs776211500, ClinGen allele CA031563.

ClinVar aggregate classification (germline): Conflicting classifications of pathogenicity. Review status: criteria provided, conflicting classifications (1 of 4 stars). 2 submissions from 2 submitters: Uncertain significance (1); Likely benign (1). Last evaluated 2026-02-02.

Conditions:
Cardiovascular phenotype. Identifiers: MedGen CN230736.
Arrhythmogenic cardiomyopathy with wooly hair and keratoderma. Also called: Arrhythmogenic cardiomyopathy with woolly hair and keratoderma; PALMOPLANTAR KERATODERMA WITH LEFT VENTRICULAR CARDIOMYOPATHY AND WOOLLY HAIR; Carvajal syndrome; Dilated cardiomyopathy with woolly hair and keratoderma. Identifiers: Orphanet 65282, MedGen C1854063, MONDO:0011581, OMIM 605676.
Arrhythmogenic right ventricular dysplasia 8 (ARVD8). Also called: Arrhythmogenic Right Ventricular Dysplasia/Cardiomyopathy 8; ARRHYTHMOGENIC RIGHT VENTRICULAR DYSPLASIA, FAMILIAL, 8; ARRHYTHMOGENIC RIGHT VENTRICULAR CARDIOMYOPATHY 8. Identifiers: MedGen C1843896, MONDO:0011831, OMIM 607450.

Allele frequency attached by ClinVar (database versions not stated): ExAC 0.00001; TOPMed 0.00001; gnomAD exomes 0.00002.
gnomAD v4.1: 10 of 1,614,144 alleles (0.00062%); highest among the groups gnomAD compares: Admixed American, 0.017%; no homozygotes.

Submissions (2):

Labcorp Genetics (formerly Invitae), Labcorp
Classification: Likely benign for Arrhythmogenic cardiomyopathy with wooly hair and keratoderma; Arrhythmogenic right ventricular dysplasia 8. Last evaluated: 2026-02-02. Review status: criteria provided, single submitter. Criteria: Invitae Variant Classification Sherloc (09022015). Collection method: clinical testing. Allele origin: germline.

Ambry Genetics
Classification: Uncertain significance for Cardiovascular phenotype. Last evaluated: 2024-09-23. Review status: criteria provided, single submitter. Criteria: Ambry Variant Classification Scheme 2023. Collection method: clinical testing. Allele origin: germline.
Comment: The p.P692A variant (also known as c.2074C>G), located in coding exon 15 of the DSP gene, results from a C to G substitution at nucleotide position 2074. The proline at codon 692 is replaced by alanine, an amino acid with highly similar properties. This amino acid position is poorly conserved in available vertebrate species. In addition, this alteration is predicted to be tolerated by in silico analysis. Since supporting evidence is limited at this time, the clinical significance of this alteration remains unclear.